The following is an entry in ClinVar:

ClinVar aggregate classification (germline): Likely benign (0 of 4 stars; one submission).

Conditions:
SEMA3B-related disorder. Also called: SEMA3B-related condition.

Allele frequency attached by ClinVar (database versions not stated): TOPMed 0.00002; gnomAD exomes 0.00006; ExAC 0.00005; gnomAD 0.00001.

Submission:

PreventionGenetics, part of Exact Sciences
Classification: Likely benign for SEMA3B-related condition. Last evaluated: 2022-02-16. Review status: no assertion criteria provided. Collection method: clinical testing. Allele origin: germline.
Comment: This variant is classified as likely benign based on ACMG/AMP sequence variant interpretation guidelines (Richards et al. 2015 PMID: 25741868, with internal and published modifications).

NM_001290060.2(SEMA3B):c.214G>A (p.Glu72Lys)

Gene: SEMA3B (semaphorin 3B; plus strand). Cytogenetic location: 3p21.31.
Variant type: single nucleotide variant.
Coding change: c.214G>A on transcript NM_001290060.2 (MANE Select); coding-DNA position 214, G replaced by A.
Protein change: p.Glu72Lys; replaces glutamic acid 72 with lysine.
Molecular consequence: missense variant.
Genome position (GRCh38, 1-based): chr3:50,270,231, G>A. VCF-style: chr3-50270231-G-A. GRCh37 (hg19) VCF-style: chr3-50307662-G-A.
Other names: c.214G>A, p.Glu72Lys (NM_001005914.3, NM_001290061.1, NM_004636.4); short protein forms E72K.
Identifiers: ClinVar variation 3031785 (VCV003031785.2), dbSNP rs782491172, ClinGen allele CA2413676.